The following is an entry in ClinVar:

ClinVar aggregate classification (germline): Uncertain significance. Review status: criteria provided, multiple submitters, no conflicts (2 of 4 stars). 2 submissions from 2 submitters: Uncertain significance (2). Last evaluated 2024-09-16.

Conditions:
Familial cancer of breast. Also called: Hereditary breast cancer; BREAST CANCER, FAMILIAL; hereditary breast carcinoma. Identifiers: Orphanet 227535, MedGen C0346153, MONDO:0016419, OMIM 114480. Disease mechanism: loss of function.
Hereditary cancer-predisposing syndrome. Also called: Neoplastic Syndromes, Hereditary; Tumor predisposition; Hereditary Cancer Syndrome; Hereditary neoplastic syndrome. Identifiers: Orphanet 140162, MedGen C0027672, MeSH D009386, MONDO:0015356.

Submissions (2):

Labcorp Genetics (formerly Invitae), Labcorp
Classification: Uncertain significance for Familial cancer of breast. Last evaluated: 2024-09-16. Review status: criteria provided, single submitter. Criteria: Invitae Variant Classification Sherloc (09022015). Collection method: clinical testing. Allele origin: germline.
Comment: This sequence change replaces glutamine, which is neutral and polar, with arginine, which is basic and polar, at codon 78 of the CHEK2 protein (p.Gln78Arg). This variant is not present in population databases (gnomAD no frequency). This variant has not been reported in the literature in individuals affected with CHEK2-related conditions. An algorithm developed to predict the effect of missense changes on protein structure and function (PolyPhen-2) suggests that this variant is likely to be tolerated. In summary, the available evidence is currently insufficient to determine the role of this variant in disease. Therefore, it has been classified as a Variant of Uncertain Significance.

Color Diagnostics, LLC DBA Color Health
Classification: Uncertain significance for Hereditary cancer-predisposing syndrome. Last evaluated: 2024-06-12. Review status: criteria provided, single submitter. Criteria: ACMG Guidelines, 2015. Collection method: clinical testing. Allele origin: germline.
Comment: This missense variant replaces glutamine with arginine at codon 78 of the CHEK2 protein. Computational prediction suggests that this variant may not impact protein structure and function (internally defined REVEL score threshold <= 0.5, PMID: 27666373). To our knowledge, functional studies have not been reported for this variant. This variant has not been reported in individuals affected with CHEK2-related disorders in the literature. This variant has not been identified in the general population by the Genome Aggregation Database (gnomAD). The available evidence is insufficient to determine the role of this variant in disease conclusively. Therefore, this variant is classified as a Variant of Uncertain Significance.

NM_007194.4(CHEK2):c.233A>G (p.Gln78Arg)

Gene: CHEK2 (checkpoint kinase 2; minus strand). Cytogenetic location: 22q12.1.
Variant type: single nucleotide variant.
Coding change: c.233A>G on transcript NM_007194.4 (MANE Select); coding-DNA position 233, A replaced by G.
Protein change: p.Gln78Arg; replaces glutamine 78 with arginine.
Molecular consequence: missense variant.
Genome position (GRCh38, 1-based): chr22:28,734,489, T>C on the plus strand (A>G on the coding strand, the complement: CHEK2 is on the minus strand). VCF-style: chr22-28734489-T-C. GRCh37 (hg19) VCF-style: chr22-29130477-T-C.
Other names: c.233A>G, p.Gln78Arg (NM_001005735.3, NM_001349956.3, NM_145862.3); c.-545A>G (NM_001257387.3); short protein forms Q78R.
Identifiers: ClinVar variation 2776310 (VCV002776310.3), dbSNP rs2518129431, ClinGen allele CA411090661.